The following is an entry in ClinVar:

NM_032242.4(PLXNA1):c.4510-4G>A

Gene: PLXNA1 (plexin A1; plus strand). Cytogenetic location: 3q21.3.
Variant type: single nucleotide variant.
Coding change: c.4510-4G>A on transcript NM_032242.4 (MANE Select); 4 bases into the intron before coding-DNA position 4510, G replaced by A.
Molecular consequence: intron variant.
Genome position (GRCh38, 1-based): chr3:127,028,177, G>A. VCF-style: chr3-127028177-G-A. GRCh37 (hg19) VCF-style: chr3-126747020-G-A.
Identifiers: ClinVar variation 727468 (VCV000727468.18), dbSNP rs75945701, ClinGen allele CA2594404.

ClinVar aggregate classification (germline): Benign/Likely benign. Review status: criteria provided, multiple submitters, no conflicts (2 of 4 stars). 4 submissions from 4 submitters: Benign (1); Likely benign (2). 1 of the submissions does not count toward it. Last evaluated 2025-10-01.

Conditions:
PLXNA1-related disorder. Also called: PLXNA1-related condition.

Allele frequency attached by ClinVar (database versions not stated): ExAC 0.00127; gnomAD 0.00328 and 0.00342; ESP Exome Variant Server 0.00361; TOPMed 0.00372; 1000 Genomes Project 30x 0.00500; 1000 Genomes Project 0.00539.
gnomAD v4.1: 1,192 of 1,612,692 alleles (0.074%); highest among the groups gnomAD compares: African/African-American, 1.2%; 5 homozygotes.

Submissions (4):

CeGaT Center for Human Genetics Tuebingen
Classification: Likely benign. Last evaluated: 2025-10-01. Review status: criteria provided, single submitter. Criteria: CeGaT Center For Human Genetics Tuebingen Variant Classification Criteria Version 2. Collection method: clinical testing. Allele origin: germline. Affected: yes. Observed: 1 variant allele.
Comment: PLXNA1: BP4, BS1

Labcorp Genetics (formerly Invitae), Labcorp
Classification: Benign. Last evaluated: 2025-08-21. Review status: criteria provided, single submitter. Criteria: Invitae Variant Classification Sherloc (09022015). Collection method: clinical testing. Allele origin: germline.

Blueprint Genetics
Classification: Likely benign. Last evaluated: 2024-11-01. Review status: criteria provided, single submitter. Criteria: ACMG Guidelines, 2015. Collection method: clinical testing. Allele origin: germline.

PreventionGenetics, part of Exact Sciences
Classification: Benign for PLXNA1-related condition. Last evaluated: 2021-09-20. Review status: no assertion criteria provided. Collection method: clinical testing. Allele origin: germline. Not counted in ClinVar's aggregate classification.
Comment: This variant is classified as benign based on ACMG/AMP sequence variant interpretation guidelines (Richards et al. 2015 PMID: 25741868, with internal and published modifications).